The following is an entry in ClinVar:

ClinVar aggregate classification (germline): Benign (1 of 4 stars; one submission).

Allele frequency attached by ClinVar (database versions not stated): 1000 Genomes Project 0.02656; gnomAD 0.02687 and 0.02913; 1000 Genomes Project 30x 0.02826; TOPMed 0.02995.
gnomAD v4.1: 4,039 of 152,226 alleles (2.7%); highest among the groups gnomAD compares: African/African-American, 9.3%; 184 homozygotes.

Submission:

GeneDx
Classification: Benign. Last evaluated: 2018-06-16. Review status: criteria provided, single submitter. Criteria: GeneDx Variant Classification (06012015). Collection method: clinical testing. Allele origin: germline. Affected: yes.
Comment: This variant is considered likely benign or benign based on one or more of the following criteria: it is a conservative change, it occurs at a poorly conserved position in the protein, it is predicted to be benign by multiple in silico algorithms, and/or has population frequency not consistent with disease.

NM_004984.4(KIF5A):c.129+310C>T

Gene: KIF5A (kinesin family member 5A; plus strand). Cytogenetic location: 12q13.3.
Variant type: single nucleotide variant.
Coding change: c.129+310C>T on transcript NM_004984.4 (MANE Select); 310 bases into the intron after coding-DNA position 129, C replaced by T.
Molecular consequence: intron variant.
Genome position (GRCh38, 1-based): chr12:57,550,710, C>T. VCF-style: chr12-57550710-C-T. GRCh37 (hg19) VCF-style: chr12-57944493-C-T.
Other names: c.129+310C>T (NM_001354705.2).
Identifiers: ClinVar variation 671430 (VCV000671430.1), dbSNP rs73346031, ClinGen allele CA237802579.